The following is an entry in ClinVar:

NM_000051.4(ATM):c.591A>G (p.Gly197=)

Gene: ATM (ATM serine/threonine kinase; plus strand). Cytogenetic location: 11q22.3.
Variant type: single nucleotide variant.
Coding change: c.591A>G on transcript NM_000051.4 (MANE Select); coding-DNA position 591, A replaced by G.
Protein change: p.Gly197=; no amino-acid change (glycine 197 retained).
Molecular consequence: synonymous variant.
Genome position (GRCh38, 1-based): chr11:108,244,047, A>G. VCF-style: chr11-108244047-A-G. GRCh37 (hg19) VCF-style: chr11-108114774-A-G.
Other names: c.591A>G, p.Gly197= (NM_001351834.2).
Identifiers: ClinVar variation 482722 (VCV000482722.17), dbSNP rs587780630, ClinGen allele CA476671450.

ClinVar aggregate classification (germline): Benign/Likely benign. Review status: criteria provided, multiple submitters, no conflicts (2 of 4 stars). 5 submissions from 5 submitters: Benign (1); Likely benign (4). Last evaluated 2024-04-19.

Conditions:
Familial cancer of breast. Also called: BREAST CANCER, FAMILIAL; Hereditary breast cancer; hereditary breast carcinoma. Identifiers: Orphanet 227535, MedGen C0346153, MONDO:0016419, OMIM 114480. Disease mechanism: loss of function.
Hereditary cancer-predisposing syndrome. Also called: Hereditary neoplastic syndrome; Neoplastic Syndromes, Hereditary; Tumor predisposition; Hereditary Cancer Syndrome. Identifiers: Orphanet 140162, MedGen C0027672, MeSH D009386, MONDO:0015356.
Ataxia-telangiectasia syndrome (AT). Also called: LOUIS-BAR SYNDROME; Cerebello-oculocutaneous telangiectasia; Immunodeficiency with ataxia telangiectasia; AT, COMPLEMENTATION GROUP C; Ataxia-telangiectasia, complementation group D; ATAXIA-TELANGIECTASIA, COMPLEMENTATION GROUP A. Identifiers: Orphanet 100, MedGen C0004135, MONDO:0008840, OMIM 208900.

Submissions (5):

Myriad Genetics, Inc.
Classification: Benign for Familial cancer of breast. Last evaluated: 2024-04-19. Review status: criteria provided, single submitter. Criteria: Myriad Autosomal Dominant, Autosomal Recessive and X-Linked Classification Criteria (2023). Collection method: clinical testing. Allele origin: unknown.
Comment: This variant is considered benign. This variant is a silent/synonymous amino acid change and it is not expected to impact splicing.

Labcorp Genetics (formerly Invitae), Labcorp
Classification: Likely benign for Ataxia-telangiectasia syndrome. Last evaluated: 2022-05-19. Review status: criteria provided, single submitter. Criteria: Invitae Variant Classification Sherloc (09022015). Collection method: clinical testing. Allele origin: germline.

GeneKor MSA
Classification: Likely benign for Hereditary cancer-predisposing syndrome. Last evaluated: 2018-08-01. Review status: criteria provided, single submitter. Criteria: ACMG Guidelines, 2015. Collection method: clinical testing. Allele origin: germline. Affected: no.

Color Diagnostics, LLC DBA Color Health
Classification: Likely benign for Hereditary cancer-predisposing syndrome. Last evaluated: 2017-09-20. Review status: criteria provided, single submitter. Criteria: ACMG Guidelines, 2015. Collection method: clinical testing. Allele origin: germline.

Ambry Genetics
Classification: Likely benign for Hereditary cancer-predisposing syndrome. Last evaluated: 2017-05-09. Review status: criteria provided, single submitter. Criteria: Ambry Variant Classification Scheme 2023. Collection method: clinical testing. Allele origin: germline.